The following is an entry in ClinVar:

NM_006846.4(SPINK5):c.1999A>G (p.Met667Val)

Gene: SPINK5 (serine peptidase inhibitor Kazal type 5; plus strand). Cytogenetic location: 5q32.
Variant type: single nucleotide variant.
Coding change: c.1999A>G on transcript NM_006846.4 (MANE Select); coding-DNA position 1999, A replaced by G.
Protein change: p.Met667Val; replaces methionine 667 with valine.
Molecular consequence: missense variant.
Genome position (GRCh38, 1-based): chr5:148,114,473, A>G. VCF-style: chr5-148114473-A-G. GRCh37 (hg19) VCF-style: chr5-147494036-A-G.
Other names: c.1999A>G (NM_006846.3); c.1999A>G, p.Met667Val (NM_001127698.2, NM_001127699.2); short protein forms M667V.
Identifiers: ClinVar variation 1415307 (VCV001415307.8), dbSNP rs370317811, ClinGen allele CA3495814.

ClinVar aggregate classification (germline): Uncertain significance. Review status: criteria provided, multiple submitters, no conflicts (2 of 4 stars). 2 submissions from 2 submitters: Uncertain significance (2). Last evaluated 2025-10-14.

Conditions:
Inborn genetic diseases. Identifiers: MedGen C0950123, MeSH D030342.
Ichthyosis linearis circumflexa. Identifiers: MedGen C0265962, MONDO:0043106, HP:0025810.

Allele frequency attached by ClinVar (database versions not stated): gnomAD 0.00007; ESP Exome Variant Server 0.00008; TOPMed 0.00009; 1000 Genomes Project 30x 0.00031.
gnomAD v4.1: 26 of 1,613,574 alleles (0.0016%); highest among the groups gnomAD compares: African/African-American, 0.028%; no homozygotes.

Submissions (2):

Ambry Genetics
Classification: Uncertain significance for Inborn genetic diseases. Last evaluated: 2025-10-14. Review status: criteria provided, single submitter. Criteria: Ambry Variant Classification Scheme 2023. Collection method: clinical testing. Allele origin: germline.

Labcorp Genetics (formerly Invitae), Labcorp
Classification: Uncertain significance for Ichthyosis linearis circumflexa. Last evaluated: 2025-07-21. Review status: criteria provided, single submitter. Criteria: Invitae Variant Classification Sherloc (09022015). Collection method: clinical testing. Allele origin: germline.
Comment: This sequence change replaces methionine, which is neutral and non-polar, with valine, which is neutral and non-polar, at codon 667 of the SPINK5 protein (p.Met667Val). This variant is present in population databases (rs370317811, gnomAD 0.04%). This variant has not been reported in the literature in individuals affected with SPINK5-related conditions. ClinVar contains an entry for this variant (Variation ID: 1415307). Invitae Evidence Modeling of protein sequence and biophysical properties (such as structural, functional, and spatial information, amino acid conservation, physicochemical variation, residue mobility, and thermodynamic stability) indicates that this missense variant is expected to disrupt SPINK5 protein function with a positive predictive value of 80%. In summary, the available evidence is currently insufficient to determine the role of this variant in disease. Therefore, it has been classified as a Variant of Uncertain Significance.